The following is an entry in ClinVar:

ClinVar aggregate classification (germline): Uncertain significance (1 of 4 stars; one submission).

Conditions:
Nephrotic syndrome, type 12 (NPHS12). Identifiers: Orphanet 656, MedGen C4225166, MONDO:0014817, OMIM 616892.

Submission:

3billion
Classification: Uncertain significance for Nephrotic syndrome, type 12. Last evaluated: 2025-02-28. Review status: criteria provided, single submitter. Criteria: ACMG Guidelines, 2015. Collection method: clinical testing. Allele origin: germline. Affected: yes.
Comment: The variant is observed at an extremely low frequency in the gnomAD v4.1.0 dataset (total allele frequency: 0.056%). Predicted Consequence/Location: Intron variant In silico tools predict the variant to alter splicing and produce an abnormal transcript [SpliceAI: 0.42 (>=0.2, moderate evidence for spliceogenicity)]. Therefore, this variant is classified as VUS according to the recommendation of ACMG/AMP guideline.

NM_014669.5(NUP93):c.2018+362G>C

Gene: NUP93 (nucleoporin 93; plus strand). Cytogenetic location: 16q13.
Variant type: single nucleotide variant.
Coding change: c.2018+362G>C on transcript NM_014669.5 (MANE Select); 362 bases into the intron after coding-DNA position 2018, G replaced by C.
Molecular consequence: intron variant.
Genome position (GRCh38, 1-based): chr16:56,838,088, G>C. VCF-style: chr16-56838088-G-C. GRCh37 (hg19) VCF-style: chr16-56872000-G-C.
Other names: c.1649+362G>C (NM_001242795.2, NM_001242796.2).
Identifiers: ClinVar variation 4292389 (VCV004292389.1).